The following is an entry in ClinVar:

NM_000540.3(RYR1):c.5484C>T (p.Asp1828=)

Gene: RYR1 (ryanodine receptor 1; plus strand). Cytogenetic location: 19q13.2.
Variant type: single nucleotide variant.
Coding change: c.5484C>T on transcript NM_000540.3 (MANE Select); coding-DNA position 5484, C replaced by T.
Protein change: p.Asp1828=; no amino-acid change (aspartic acid 1828 retained).
Molecular consequence: synonymous variant.
Genome position (GRCh38, 1-based): chr19:38,486,139, C>T. VCF-style: chr19-38486139-C-T. GRCh37 (hg19) VCF-style: chr19-38976779-C-T.
Other names: c.5484C>T, p.Asp1828= (NM_001042723.2); c.5484C>T (NM_000540.2).
Identifiers: ClinVar variation 498326 (VCV000498326.18), dbSNP rs775744847, ClinGen allele CA067165.

ClinVar aggregate classification (germline): Conflicting classifications of pathogenicity. Review status: criteria provided, conflicting classifications (1 of 4 stars). 6 submissions from 6 submitters: Uncertain significance (1); Likely benign (4). 1 of the submissions does not count toward it. Last evaluated 2026-06-01.

Conditions:
Malignant hyperthermia, susceptibility to, 1 (MHS1). Also called: Malignant hyperthermia suceptibility 1; Anesthesia related hyperthermia; Malignant hyperpyrexia; Fulminating hyperpyrexia; Pharmacogenic myopathy; RYR1-Related Malignant Hyperthermia Susceptibility. Identifiers: Orphanet 423, MedGen C2930980, MONDO:0007783, OMIM 145600.
RYR1-related disorder. Also called: RYR1-related condition; RYR1-related disorders. Identifiers: MedGen CN239331.

Allele frequency attached by ClinVar (database versions not stated): gnomAD 0.00001 and 0.00002; ExAC 0.00002; TOPMed 0.00002; gnomAD exomes 0.00004.
gnomAD v4.1: 32 of 1,613,050 alleles (0.002%); highest among the groups gnomAD compares: Admixed American, 0.013%; no homozygotes.

Submissions (6):

CeGaT Center for Human Genetics Tuebingen
Classification: Likely benign. Last evaluated: 2026-06-01. Review status: criteria provided, single submitter. Criteria: CeGaT Center For Human Genetics Tuebingen Variant Classification Criteria Version 2. Collection method: clinical testing. Allele origin: germline. Affected: yes. Observed: 1 variant allele.
Comment: RYR1: BP4, BP7

Labcorp Genetics (formerly Invitae), Labcorp
Classification: Likely benign for RYR1-related disorder. Last evaluated: 2025-08-26. Review status: criteria provided, single submitter. Criteria: Invitae Variant Classification Sherloc (09022015). Collection method: clinical testing. Allele origin: germline.

All of Us Research Program, National Institutes of Health
Classification: Likely benign for Malignant hyperthermia, susceptibility to, 1. Last evaluated: 2024-01-08. Review status: criteria provided, single submitter. Criteria: ACMG Guidelines, 2015. Collection method: clinical testing. Allele origin: germline. Inheritance: Autosomal dominant inheritance. Observed: 10 variant alleles, 10 heterozygotes.
Comment: This study involves interpretation of variants in research participants for the purpose of population health screening. Participant phenotype was not available at the time of variant classification. Additional details can be found in publication PMID: 35346344, PMCID: PMC8962531

Color Diagnostics, LLC DBA Color Health
Classification: Likely benign for Malignant hyperthermia, susceptibility to, 1. Last evaluated: 2022-10-17. Review status: criteria provided, single submitter. Criteria: ACMG Guidelines, 2015. Collection method: clinical testing. Allele origin: germline.

Eurofins Ntd Llc (ga)
Classification: Uncertain significance. Last evaluated: 2016-11-29. Review status: criteria provided, single submitter. Criteria: EGL Classification Definitions 2015. Collection method: clinical testing. Allele origin: germline. Observed: 1 variant allele, 1 heterozygote.

PreventionGenetics, part of Exact Sciences
Classification: Likely benign for RYR1-related condition. Last evaluated: 2023-08-02. Review status: no assertion criteria provided. Collection method: clinical testing. Allele origin: germline. Not counted in ClinVar's aggregate classification.
Comment: This variant is classified as likely benign based on ACMG/AMP sequence variant interpretation guidelines (Richards et al. 2015 PMID: 25741868, with internal and published modifications).